The following is an entry in ClinVar:

ClinVar aggregate classification (germline): Uncertain significance (1 of 4 stars; one submission).

Allele frequency attached by ClinVar (database versions not stated): gnomAD exomes below 0.00001.
gnomAD v4.1: 1 of 1,613,988 alleles (0.000062%); highest among the groups gnomAD compares: Non-Finnish European, 0.000085%; no homozygotes.

Submission:

Ambry Genetics
Classification: Uncertain significance. Last evaluated: 2021-08-24. Review status: criteria provided, single submitter. Criteria: Ambry Variant Classification Scheme 2023. Collection method: clinical testing. Allele origin: germline.
Comment: The p.R6Q variant (also known as c.17G>A), located in coding exon 1 of the POLQ gene, results from a G to A substitution at nucleotide position 17. The arginine at codon 6 is replaced by glutamine, an amino acid with highly similar properties. This amino acid position is conserved. In addition, this alteration is predicted to be tolerated by in silico analysis. Since supporting evidence is limited at this time, the clinical significance of this alteration remains unclear.

NM_199420.4(POLQ):c.17G>A (p.Arg6Gln)

Genes: POLQ (DNA polymerase theta; minus strand), LOC112872292 (Sharpr-MPRA regulatory region 30; plus strand). Cytogenetic location: 3q13.33.
Variant type: single nucleotide variant.
Coding change: c.17G>A on transcript NM_199420.4 (MANE Select); coding-DNA position 17, G replaced by A.
Protein change: p.Arg6Gln; replaces arginine 6 with glutamine.
Molecular consequence: missense variant.
Genome position (GRCh38, 1-based): chr3:121,545,861, C>T on the plus strand (G>A on the coding strand, the complement: POLQ is on the minus strand). VCF-style: chr3-121545861-C-T. GRCh37 (hg19) VCF-style: chr3-121264708-C-T.
Other names: short protein forms R6Q.
Identifiers: ClinVar variation 1780368 (VCV001780368.2), dbSNP rs1287724258, ClinGen allele CA354097970.